The following is an entry in ClinVar:

NM_001794.5(CDH4):c.1653G>A (p.Ala551=)

Gene: CDH4 (cadherin 4; plus strand). Cytogenetic location: 20q13.33.
Variant type: single nucleotide variant.
Coding change: c.1653G>A on transcript NM_001794.5 (MANE Select); coding-DNA position 1653, G replaced by A.
Protein change: p.Ala551=; no amino-acid change (alanine 551 retained).
Molecular consequence: synonymous variant.
Genome position (GRCh38, 1-based): chr20:61,924,358, G>A. VCF-style: chr20-61924358-G-A. GRCh37 (hg19) VCF-style: chr20-60499416-G-A.
Other names: c.1542G>A, p.Ala514= (NM_001252338.2); c.1431G>A, p.Ala477= (NM_001252339.3).
Identifiers: ClinVar variation 3042977 (VCV003042977.2), dbSNP rs372808555, ClinGen allele CA9934817.
Genomic context (GRCh38, chr20:61,924,358, plus strand): 5'-CAGCCTTACCTCCCCCTGCACTTGTGGTCTCCGCAGATACTCAAAGCTGTCAGACCCAGC[G>A]AGCTGGCTGCACATCAATGCCACCAACGGCCAGATCACCACGGCGGCAGTGCTGGACCGT-3'
Protein context (NP_001785.2, residues 541-561): AVRYSKLSDP[Ala551=]SWLHINATNG

ClinVar aggregate classification (germline): Benign (0 of 4 stars; one submission).

Conditions:
CDH4-related disorder. Also called: CDH4-related condition.

Allele frequency attached by ClinVar (database versions not stated): ESP Exome Variant Server 0.00008; 1000 Genomes Project 0.00339; 1000 Genomes Project 30x 0.00344.
gnomAD v4.1: 724 of 1,611,816 alleles (0.045%); highest among the groups gnomAD compares: South Asian, 0.73%; 12 homozygotes.

Submission:

PreventionGenetics, part of Exact Sciences
Classification: Benign for CDH4-related condition. Last evaluated: 2019-06-27. Review status: no assertion criteria provided. Collection method: clinical testing. Allele origin: germline.
Comment: This variant is classified as benign based on ACMG/AMP sequence variant interpretation guidelines (Richards et al. 2015 PMID: 25741868, with internal and published modifications).